The following is an entry in ClinVar:

ClinVar aggregate classification (germline): Benign/Likely benign. Review status: criteria provided, multiple submitters, no conflicts (2 of 4 stars). 4 submissions from 4 submitters: Benign (1); Likely benign (3). Last evaluated 2025-09-15.

Conditions:
Renal cell carcinoma. Identifiers: Orphanet 217071, MedGen C0007134, MeSH D002292, MONDO:0005086, HP:0005584.
Hereditary cancer-predisposing syndrome. Also called: Neoplastic Syndromes, Hereditary; Tumor predisposition; Hereditary neoplastic syndrome; Hereditary Cancer Syndrome. Identifiers: Orphanet 140162, MedGen C0027672, MeSH D009386, MONDO:0015356.
Papillary renal cell carcinoma type 1 (RCCP1). Also called: RENAL CELL CARCINOMA, PAPILLARY, 1, SOMATIC; Renal adenocarcinoma; Renal cell carcinoma 1; Renal cell carcinoma, somatic. Identifiers: Orphanet 47044, MedGen C1336839, OMIM 605074, HP:0011797.

gnomAD v4.1: 1 of 1,613,938 alleles (0.000062%); highest among the groups gnomAD compares: Non-Finnish European, 0.000085%; no homozygotes.

Submissions (4):

Labcorp Genetics (formerly Invitae), Labcorp
Classification: Likely benign for Renal cell carcinoma. Last evaluated: 2025-09-15. Review status: criteria provided, single submitter. Criteria: Invitae Variant Classification Sherloc (09022015). Collection method: clinical testing. Allele origin: germline.

Myriad Genetics, Inc.
Classification: Benign for Papillary renal cell carcinoma type 1. Last evaluated: 2024-11-13. Review status: criteria provided, single submitter. Criteria: Myriad Autosomal Dominant, Autosomal Recessive and X-Linked Classification Criteria (2023). Collection method: clinical testing. Allele origin: unknown.
Comment: This variant is considered benign. This variant is a silent/synonymous amino acid change and it is not expected to impact splicing.

CeGaT Center for Human Genetics Tuebingen
Classification: Likely benign. Last evaluated: 2023-01-01. Review status: criteria provided, single submitter. Criteria: CeGaT Center For Human Genetics Tuebingen Variant Classification Criteria Version 2. Collection method: clinical testing. Allele origin: germline. Affected: yes. Observed: 1 variant allele.
Comment: MET: BP4, BP7

Ambry Genetics
Classification: Likely benign for Hereditary cancer-predisposing syndrome. Last evaluated: 2021-04-27. Review status: criteria provided, single submitter. Criteria: Ambry Variant Classification Scheme 2023. Collection method: clinical testing. Allele origin: germline.

NM_000245.4(MET):c.3408T>C (p.His1136=)

Gene: MET (MET proto-oncogene, receptor tyrosine kinase; plus strand). Cytogenetic location: 7q31.2.
Variant type: single nucleotide variant.
Coding change: c.3408T>C on transcript NM_000245.4 (MANE Select); coding-DNA position 3408, T replaced by C.
Protein change: p.His1136=; no amino-acid change (histidine 1136 retained).
Molecular consequence: synonymous variant.
Genome position (GRCh38, 1-based): chr7:116,778,843, T>C. VCF-style: chr7-116778843-T-C. GRCh37 (hg19) VCF-style: chr7-116418897-T-C.
Other names: c.3462T>C, p.His1154= (NM_001127500.3); c.2118T>C, p.His706= (NM_001324402.2).
Identifiers: ClinVar variation 1079610 (VCV001079610.36), dbSNP rs202110450, ClinGen allele CA164909095.
Genomic context (GRCh38, chr7:116,778,843, plus strand): 5'-TGACATAGGAGAAGTTTCCCAATTTCTGACCGAGGGAATCATCATGAAAGATTTTAGTCA[T>C]CCCAATGTCCTCTCGCTCCTGGGAATCTGCCTGCGAAGTGAAGGGTCTCCGCTGGTGGTC-3'
Protein context (NP_000236.2, residues 1126-1146): TEGIIMKDFS[His1136=]PNVLSLLGIC